The following is an entry in ClinVar:

NM_020919.4(ALS2):c.1531C>A (p.Pro511Thr)

Gene: ALS2 (alsin Rho guanine nucleotide exchange factor ALS2; minus strand). Cytogenetic location: 2q33.1.
Variant type: single nucleotide variant.
Coding change: c.1531C>A on transcript NM_020919.4 (MANE Select); coding-DNA position 1531, C replaced by A.
Protein change: p.Pro511Thr; replaces proline 511 with threonine.
Molecular consequence: missense variant.
Genome position (GRCh38, 1-based): chr2:201,754,612, G>T on the plus strand (C>A on the coding strand, the complement: ALS2 is on the minus strand). VCF-style: chr2-201754612-G-T. GRCh37 (hg19) VCF-style: chr2-202619335-G-T.
Other names: c.1531C>A (NM_020919.3); short protein forms P511T.
Identifiers: ClinVar variation 1404267 (VCV001404267.5), dbSNP rs534602366, ClinGen allele CA2058434.
Genomic context (GRCh38, chr2:201,754,612, plus strand): 5'-AGGTCCACACTTCTGTTCTCAGAGAAGGCAGGAGCGCATCTGCTTCTCCACTGTATGTGG[G>T]GGTCAGAACCACTGTCCTCGTTTTCACCCGTGCAGCCTTTCTTAAGAGCCTGGGGGAAAC-3'
Protein context (NP_065970.2, residues 501-521): RVKTRTVVLT[Pro511Thr]TYSGEADALL

ClinVar aggregate classification (germline): Uncertain significance. Review status: criteria provided, multiple submitters, no conflicts (2 of 4 stars). 2 submissions from 2 submitters: Uncertain significance (2). Last evaluated 2024-08-12.

Conditions:
Infantile-onset ascending hereditary spastic paralysis (IAHSP). Also called: Infantile-Onset Ascending Hereditary Spastic Paralysis (IAHSP); Autosomal Recessive Juvenile Amyotrophic Lateral Sclerosis. Identifiers: Orphanet 293168, MedGen C2931441, MONDO:0011797, OMIM 607225. Disease mechanism: loss of function.
Inborn genetic diseases. Identifiers: MedGen C0950123, MeSH D030342.

Allele frequency attached by ClinVar (database versions not stated): gnomAD 0.00001; TOPMed 0.00002; gnomAD exomes 0.00003.
gnomAD v4.1: 10 of 1,614,006 alleles (0.00062%); highest among the groups gnomAD compares: Admixed American, 0.012%; no homozygotes.

Submissions (2):

Ambry Genetics
Classification: Uncertain significance for Inborn genetic diseases. Last evaluated: 2024-08-12. Review status: criteria provided, single submitter. Criteria: Ambry Variant Classification Scheme 2023. Collection method: clinical testing. Allele origin: germline.

Labcorp Genetics (formerly Invitae), Labcorp
Classification: Uncertain significance for Infantile-onset ascending hereditary spastic paralysis. Last evaluated: 2021-08-30. Review status: criteria provided, single submitter. Criteria: Invitae Variant Classification Sherloc (09022015). Collection method: clinical testing. Allele origin: germline.
Comment: In summary, the available evidence is currently insufficient to determine the role of this variant in disease. Therefore, it has been classified as a Variant of Uncertain Significance. Algorithms developed to predict the effect of missense changes on protein structure and function are either unavailable or do not agree on the potential impact of this missense change (SIFT: "Deleterious"; PolyPhen-2: "Possibly Damaging"; Align-GVGD: "Class C0"). This variant has not been reported in the literature in individuals affected with ALS2-related conditions. This variant is present in population databases (rs534602366, ExAC 0.02%). This sequence change replaces proline with threonine at codon 511 of the ALS2 protein (p.Pro511Thr). The proline residue is moderately conserved and there is a small physicochemical difference between proline and threonine.